The following is an entry in ClinVar:

NC_000019.9:g.(?_3917720)_(4818389_?)dup

Genes: ANKRD24 (ankyrin repeat domain 24; plus strand), ATCAY (ATCAY kinesin light chain interacting caytaxin; plus strand), CHAF1A (chromatin assembly factor 1 subunit A; plus strand), CREB3L3 (cAMP responsive element binding protein 3 like 3; plus strand), DAPK3 (death associated protein kinase 3; minus strand) and 24 more. Cytogenetic location: 19p13.3.
Variant type: Duplication.
Identifiers: ClinVar variation 3242666 (VCV003242666.1).

ClinVar aggregate classification (germline): Uncertain significance (1 of 4 stars; one submission).

Submission:

Labcorp Genetics (formerly Invitae), Labcorp
Classification: Uncertain significance. Last evaluated: 2023-04-13. Review status: criteria provided, single submitter. Criteria: Invitae Variant Classification Sherloc (09022015). Collection method: clinical testing. Allele origin: unknown.
Comment: In summary, the available evidence is currently insufficient to determine the role of this variant in disease. Therefore, it has been classified as a Variant of Uncertain Significance. This variant has not been reported in the literature in individuals affected with EEF2-related conditions. A copy number gain of the genomic region encompassing the full coding sequence of the EEF2 gene has been identified. The boundaries of this event are unknown as they extend beyond the assayed region for this gene and therefore may encompass additional genes. As the precise location of this event is unknown, it may be in tandem or it may be located elsewhere in the genome.